The following is an entry in ClinVar:

NM_002941.4(ROBO1):c.39A>T (p.Ser13=)

Gene: ROBO1 (roundabout guidance receptor 1; minus strand). Cytogenetic location: 3p12.3.
Variant type: single nucleotide variant.
Coding change: c.39A>T on transcript NM_002941.4 (MANE Select); coding-DNA position 39, A replaced by T.
Protein change: p.Ser13=; no amino-acid change (serine 13 retained).
Molecular consequence: synonymous variant.
Genome position (GRCh38, 1-based): chr3:79,589,873, T>A on the plus strand (A>T on the coding strand, the complement: ROBO1 is on the minus strand). VCF-style: chr3-79589873-T-A. GRCh37 (hg19) VCF-style: chr3-79639023-T-A.
Identifiers: ClinVar variation 3350355 (VCV003350355.2).

ClinVar aggregate classification (germline): Likely benign. Review status: criteria provided, single submitter (1 of 4 stars). 2 submissions from 2 submitters: Likely benign (1). 1 of the submissions does not count toward it. Last evaluated 2025-11-18.

Conditions:
ROBO1-related disorder. Also called: ROBO1-related condition.

gnomAD v4.1: 68 of 1,610,742 alleles (0.0042%); highest among the groups gnomAD compares: African/African-American, 0.079%; 1 homozygote.

Submissions (2):

Labcorp Genetics (formerly Invitae), Labcorp
Classification: Likely benign. Last evaluated: 2025-11-18. Review status: criteria provided, single submitter. Criteria: Invitae Variant Classification Sherloc (09022015). Collection method: clinical testing. Allele origin: germline.

PreventionGenetics, part of Exact Sciences
Classification: Likely benign for ROBO1-related condition. Last evaluated: 2024-04-30. Review status: no assertion criteria provided. Collection method: clinical testing. Allele origin: germline. Not counted in ClinVar's aggregate classification.
Comment: This variant is classified as likely benign based on ACMG/AMP sequence variant interpretation guidelines (Richards et al. 2015 PMID: 25741868, with internal and published modifications).